The following is an entry in ClinVar:

ClinVar aggregate classification (germline): Uncertain significance (0 of 4 stars; one submission).

Conditions:
GNAS-related disorder. Identifiers: MedGen CN380105.

Submission:

PreventionGenetics, part of Exact Sciences
Classification: Uncertain significance for GNAS-related condition. Last evaluated: 2024-04-10. Review status: no assertion criteria provided. Collection method: clinical testing. Allele origin: germline.
Comment: The GNAS c.1336_1337insTCCCTGACGCCCCAGCCGATCCCGACTCCGGGGCGG variant is predicted to result in an in-frame amino acid insertion (p.Ala445_Ala446insValProAspAlaProAlaAspProAspSerGlyAla). To our knowledge, this variant has not been reported in the literature or in a large population database, indicating this variant is rare. At this time, the clinical significance of this variant is uncertain due to the absence of conclusive functional and genetic evidence.

NM_080425.4(GNAS):c.1336_1337insTCCCTGACGCCCCAGCCGATCCCGACTCCGGGGCGG (p.Ala445_Ala446insValProAspAlaProAlaAspProAspSerGlyAla)

Gene: GNAS (GNAS complex locus; plus strand). Cytogenetic location: 20q13.32.
Variant type: Insertion.
Coding change: c.1336_1337insTCCCTGACGCCCCAGCCGATCCCGACTCCGGGGCGG on transcript NM_080425.4 (MANE Plus Clinical); coding-DNA positions 1336 to 1337, TCCCTGACGCCCCAGCCGATCCCGACTCCGGGGCGG inserted.
Protein change: p.Ala445_Ala446insValProAspAlaProAlaAspProAspSerGlyAla.
Molecular consequence: inframe insertion. On other transcripts: intron variant (3).
Genome position: GRCh38: chr20:58,854,601-58,854,602. GRCh37 (hg19): chr20:57,429,656-57,429,657.
Other names: c.1149_1150insTCCCTGACGCCCCAGCCGATCCCGACTCCGGGGCGG, p.Arg383_Pro384insSerLeuThrProGlnProIleProThrProGlyArg (NM_001077490.3, NM_001309883.1); c.1336_1337insTCCCTGACGCCCCAGCCGATCCCGACTCCGGGGCGG, p.Ala445_Ala446insValProAspAlaProAlaAspProAspSerGlyAla (NM_001410913.1); c.*42+13715_*42+13716insTCCCTGACGCCCCAGCCGATCCCGACTCCGGGGCGG (NM_016592.5); c.43+13715_43+13716insTCCCTGACGCCCCAGCCGATCCCGACTCCGGGGCGG (NM_001410912.1); c.-39+12726_-39+12727insTCCCTGACGCCCCAGCCGATCCCGACTCCGGGGCGG (NM_001309861.2).
Identifiers: ClinVar variation 3347279 (VCV003347279.1).
Genomic context (GRCh38, chr20:58,854,572, plus strand): 5'-CACCAGCCGATCCTGACTCCGGGGCATTCGCAGCCGATCCCGACTCCGGGGCAGCCCCTG[C>CCGCCCCAGCCGATCCCGACTCCGGGGCGGTCCCTGA]CGCCCCAGCCGATCCCGACTCCGGGGCGGCCCCTGACGCCCCAGCCGATCCCGACTCCGG-3'